The following is an entry in ClinVar:

ClinVar aggregate classification (germline): Conflicting classifications of pathogenicity. Review status: criteria provided, conflicting classifications (1 of 4 stars). 2 submissions from 2 submitters: Uncertain significance (1); Likely benign (1). Last evaluated 2025-12-17.

Conditions:
Tumor predisposition syndrome 3 (TPDS3). Also called: Melanoma, cutaneous malignant, susceptibility to, 10; Glioma susceptibility 9; LONG TELOMERE SYNDROME, POT1-RELATED; POT1 Tumor Predisposition. Identifiers: Orphanet 618, MedGen C4014476, MONDO:0014368, OMIM 615848.
Hereditary cancer-predisposing syndrome. Also called: Tumor predisposition; Neoplastic Syndromes, Hereditary; Hereditary Cancer Syndrome; Hereditary neoplastic syndrome. Identifiers: Orphanet 140162, MedGen C0027672, MeSH D009386, MONDO:0015356.

Allele frequency attached by ClinVar (database versions not stated): gnomAD 0.00001; gnomAD exomes 0.00001; TOPMed 0.00001.
gnomAD v4.1: 8 of 1,608,934 alleles (0.0005%); highest among the groups gnomAD compares: African/African-American, 0.0013%; no homozygotes.

Submissions (2):

Labcorp Genetics (formerly Invitae), Labcorp
Classification: Uncertain significance for Tumor predisposition syndrome 3. Last evaluated: 2025-12-17. Review status: criteria provided, single submitter. Criteria: Invitae Variant Classification Sherloc (09022015). Collection method: clinical testing. Allele origin: germline.
Comment: This sequence change replaces asparagine, which is neutral and polar, with aspartic acid, which is acidic and polar, at codon 296 of the POT1 protein (p.Asn296Asp). This variant is present in population databases (rs767877070, gnomAD 0.002%). This variant has not been reported in the literature in individuals affected with POT1-related conditions. ClinVar contains an entry for this variant (Variation ID: 652936). Invitae Evidence Modeling of protein sequence and biophysical properties (such as structural, functional, and spatial information, amino acid conservation, physicochemical variation, residue mobility, and thermodynamic stability) indicates that this missense variant is not expected to disrupt POT1 protein function with a negative predictive value of 80%. In summary, the available evidence is currently insufficient to determine the role of this variant in disease. Therefore, it has been classified as a Variant of Uncertain Significance.

Ambry Genetics
Classification: Likely benign for Hereditary cancer-predisposing syndrome. Last evaluated: 2021-01-20. Review status: criteria provided, single submitter. Criteria: Ambry Variant Classification Scheme 2023. Collection method: clinical testing. Allele origin: germline.

NM_015450.3(POT1):c.886A>G (p.Asn296Asp)

Gene: POT1 (protection of telomeres 1; minus strand). Cytogenetic location: 7q31.33.
Variant type: single nucleotide variant.
Coding change: c.886A>G on transcript NM_015450.3 (MANE Select); coding-DNA position 886, A replaced by G.
Protein change: p.Asn296Asp; replaces asparagine 296 with aspartic acid.
Molecular consequence: missense variant. On other transcripts: non-coding transcript variant (3).
Genome position (GRCh38, 1-based): chr7:124,851,935, T>C on the plus strand (A>G on the coding strand, the complement: POT1 is on the minus strand). VCF-style: chr7-124851935-T-C. GRCh37 (hg19) VCF-style: chr7-124491989-T-C.
Other names: c.493A>G, p.Asn165Asp (NM_001042594.2); short protein forms N296D, N165D.
Identifiers: ClinVar variation 652936 (VCV000652936.11), dbSNP rs767877070, ClinGen allele CA4465318.